The following is an entry in ClinVar:

ClinVar aggregate classification (germline): Conflicting classifications of pathogenicity. Review status: criteria provided, conflicting classifications (1 of 4 stars). 7 submissions from 7 submitters: Uncertain significance (1); Benign (2); Likely benign (3). 1 of the submissions does not count toward it. Last evaluated 2026-01-19.

Conditions:
Neuromuscular disease caused by qualitative or quantitative defects of dysferlin. Also called: Dysferlinopathy; Qualitative or quantitative defects of dysferlin. Identifiers: Orphanet 207073, MedGen C2931687, MONDO:0016145.
Autosomal recessive limb-girdle muscular dystrophy type 2B (LGMDR2). Also called: MUSCULAR DYSTROPHY, LIMB-GIRDLE, TYPE 3; MUSCULAR DYSTROPHY, LIMB-GIRDLE, AUTOSOMAL RECESSIVE 2; Limb-girdle muscular dystrophy, type 2B; Limb-Girdle Muscular Dystrophy Type 2B (LGMD2B). Identifiers: Orphanet 268, MedGen C1850889, MONDO:0009676, OMIM 253601.

Allele frequency attached by ClinVar (database versions not stated): ExAC 0.00049; 1000 Genomes Project 0.00100; ESP Exome Variant Server 0.00108; 1000 Genomes Project 30x 0.00109; gnomAD 0.00155 and 0.00168; TOPMed 0.00170.
gnomAD v4.1: 428 of 1,613,648 alleles (0.027%); highest among the groups gnomAD compares: African/African-American, 0.46%; 2 homozygotes.

Submissions (7):

Labcorp Genetics (formerly Invitae), Labcorp
Classification: Benign for Neuromuscular disease caused by qualitative or quantitative defects of dysferlin. Last evaluated: 2026-01-19. Review status: criteria provided, single submitter. Criteria: Invitae Variant Classification Sherloc (09022015). Collection method: clinical testing. Allele origin: germline.

Blueprint Genetics
Classification: Likely benign. Last evaluated: 2024-09-13. Review status: criteria provided, single submitter. Criteria: ACMG Guidelines, 2015. Collection method: clinical testing. Allele origin: germline.

GeneDx
Classification: Likely benign. Last evaluated: 2020-03-19. Review status: criteria provided, single submitter. Criteria: GeneDx Variant Classification Process June 2021. Collection method: clinical testing. Allele origin: germline. Affected: yes.
Comment: This variant is associated with the following publications: (PMID: 25312915)

Eurofins Ntd Llc (ga)
Classification: Uncertain significance. Last evaluated: 2018-03-01. Review status: criteria provided, single submitter. Criteria: EGL ClinVar v180209 classification definitions. Collection method: clinical testing. Allele origin: germline. Observed: 5 variant alleles, 5 heterozygotes.

Illumina Laboratory Services, Illumina
Classification: Likely benign for Qualitative or quantitative defects of dysferlin. Last evaluated: 2017-04-28. Review status: criteria provided, single submitter. Criteria: ICSL Variant Classification Criteria 13 December 2019. Collection method: clinical testing. Allele origin: germline.
Comment: This variant was observed as part of a predisposition screen in an ostensibly healthy population. A literature search was performed for the gene, cDNA change, and amino acid change (where applicable). No publications were found based on this search. Allele frequency data from public databases allowed determination this variant is unlikely to cause disease. Therefore, this variant is classified as likely benign.

PreventionGenetics, part of Exact Sciences
Classification: Benign. Review status: criteria provided, single submitter. Criteria: ACMG Guidelines, 2015. Collection method: clinical testing. Allele origin: germline.

Natera, Inc.
Classification: Likely benign for Limb-girdle muscular dystrophy type 2B. Last evaluated: 2020-01-07. Review status: no assertion criteria provided. Collection method: clinical testing. Allele origin: germline. Not counted in ClinVar's aggregate classification.

NM_001130987.2(DYSF):c.3403-10G>A

Gene: DYSF (dysferlin; plus strand). Cytogenetic location: 2p13.2.
Variant type: single nucleotide variant.
Coding change: c.3403-10G>A on transcript NM_001130987.2 (MANE Select); 10 bases into the intron before coding-DNA position 3403, G replaced by A.
Molecular consequence: intron variant.
Genome position (GRCh38, 1-based): chr2:71,589,583, G>A. VCF-style: chr2-71589583-G-A. GRCh37 (hg19) VCF-style: chr2-71816713-G-A.
Other names: c.3442-10G>A (NM_001130979.2); c.3400-10G>A (NM_001130981.2, NM_001130980.2); c.3349-10G>A (NM_001130978.2, NM_003494.4); c.3307-10G>A (NM_001130977.2, NM_001130976.2); c.3445-10G>A (NM_001130982.2); c.3403-10G>A (NM_001130985.2); c.3352-10G>A (NM_001130983.2, NM_001130455.2); c.3310-10G>A (NM_001130984.2, NM_001130986.2).
Identifiers: ClinVar variation 259074 (VCV000259074.25), dbSNP rs116733194, ClinGen allele CA1706549.